The following is an entry in ClinVar:

ClinVar aggregate classification (germline): Uncertain significance (1 of 4 stars; one submission).

Conditions:
Primary ciliary dyskinesia 30. Also called: CILIARY DYSKINESIA, PRIMARY, 30, WITH OR WITHOUT SITUS INVERSUS. Identifiers: Orphanet 244, MedGen C4015016, MONDO:0014465, OMIM 616037.

Submission:

Labcorp Genetics (formerly Invitae), Labcorp
Classification: Uncertain significance for Primary ciliary dyskinesia 30. Last evaluated: 2016-09-27. Review status: criteria provided, single submitter. Criteria: Invitae Variant Classification Sherloc (09022015). Collection method: clinical testing. Allele origin: germline.
Comment: This sequence change deletes 21 nucleotides from exon 6 of the CCDC151 mRNA (c.767_787delTGAGGACCAAACATGAGCTGG). This leads to the deletion of 7 amino acid residues in the CCDC151 protein (p.Val256_Leu262del) but otherwise preserves the integrity of the reading frame. This variant is not present in population databases (ExAC no frequency) and has not been reported in the literature in individuals with a CCDC151-related disease. Experimental studies and prediction algorithms are not available for this variant, and the functional significance of the deleted amino acids is currently unknown. In summary, this variant is a novel in-frame deletion with uncertain impact on protein function. It has been classified as a Variant of Uncertain Significance.

NM_145045.5(ODAD3):c.767_787del (p.Val256_Leu262del)

Gene: ODAD3 (outer dynein arm docking complex subunit 3; minus strand). Cytogenetic location: 19p13.2.
Variant type: Deletion.
Coding change: c.767_787del on transcript NM_145045.5 (MANE Select); coding-DNA positions 767 to 787, 21 bases deleted (TGAGGACCAAACATGAGCTGG).
Protein change: p.Val256_Leu262del.
Molecular consequence: inframe deletion.
Genome position (GRCh38, 1-based): chr19:11,426,499-11,426,519, CCAGCTCATGTTTGGTCCTCA deleted on the plus strand (TGAGGACCAAACATGAGCTGG on the coding strand, the reverse complement: ODAD3 is on the minus strand); deleting any 21 consecutive bases within chr19:11,426,499-11,426,522 gives the same sequence; the c. name uses the placement nearest the transcript's 3' end. VCF-style (leftmost placement, unchanged base first): chr19-11426498-TCCAGCTCATGTTTGGTCCTCA-T. GRCh37 (hg19) VCF-style: chr19-11537318-TCCAGCTCATGTTTGGTCCTCA-T.
Other names: c.605_625del, p.Val202_Leu208del (NM_001302453.1); c.587_607del, p.Val196_Leu202del (NM_001302454.2).
Identifiers: ClinVar variation 406813 (VCV000406813.8), dbSNP rs1064792932, ClinGen allele CA16616204.